The following is an entry in ClinVar:

NM_003632.3(CNTNAP1):c.165G>C (p.Leu55=)

Genes: CNTNAP1 (contactin associated protein 1; plus strand), LOC125177481 (Sharpr-MPRA regulatory region 245; plus strand). Cytogenetic location: 17q21.2.
Variant type: single nucleotide variant.
Coding change: c.165G>C on transcript NM_003632.3 (MANE Select); coding-DNA position 165, G replaced by C.
Protein change: p.Leu55=; no amino-acid change (leucine 55 retained).
Molecular consequence: synonymous variant.
Genome position (GRCh38, 1-based): chr17:42,683,918, G>C. VCF-style: chr17-42683918-G-C. GRCh37 (hg19) VCF-style: chr17-40835936-G-C.
Other names: c.165G>C (NM_003632.2).
Identifiers: ClinVar variation 1531882 (VCV001531882.10), dbSNP rs1050654751, ClinGen allele CA290789766.
Genomic context (GRCh38, chr17:42,683,918, plus strand): 5'-ACGCTCCCTGGGCGCCTCCTCCTACTACAGTCTCCTTACTGCGCCGAGATTCGCCAGGCT[G>C]CACGGTGAGCTCCGCGGAACATCAGCTGCCAACTGGCAGCGCACCGCGGAAGGGTGGGGG-3'
Protein context (NP_003623.1, residues 45-65): SLLTAPRFAR[Leu55=]HGISGWSPRI

ClinVar aggregate classification (germline): Likely benign. Review status: criteria provided, single submitter (1 of 4 stars). 2 submissions from 2 submitters: Likely benign (1). 1 of the submissions does not count toward it. Last evaluated 2024-11-30.

Conditions:
CNTNAP1-related disorder. Also called: CNTNAP1-related disease; CNTNAP1-related condition.

Allele frequency attached by ClinVar (database versions not stated): gnomAD exomes below 0.00001.
gnomAD v4.1: 10 of 1,613,736 alleles (0.00062%); highest among the groups gnomAD compares: African/African-American, 0.0093%; no homozygotes.

Submissions (2):

Labcorp Genetics (formerly Invitae), Labcorp
Classification: Likely benign. Last evaluated: 2024-11-30. Review status: criteria provided, single submitter. Criteria: Invitae Variant Classification Sherloc (09022015). Collection method: clinical testing. Allele origin: germline.

PreventionGenetics, part of Exact Sciences
Classification: Likely benign for CNTNAP1-related condition. Last evaluated: 2022-12-07. Review status: no assertion criteria provided. Collection method: clinical testing. Allele origin: germline. Not counted in ClinVar's aggregate classification.
Comment: This variant is classified as likely benign based on ACMG/AMP sequence variant interpretation guidelines (Richards et al. 2015 PMID: 25741868, with internal and published modifications).